The following is an entry in ClinVar:

ClinVar aggregate classification (germline): Uncertain significance (1 of 4 stars; one submission).

Conditions:
Left ventricular noncompaction 8 (LVNC8). Identifiers: Orphanet 154, Orphanet 54260, MedGen C3809288, MONDO:0014152, OMIM 615373.

Allele frequency attached by ClinVar (database versions not stated): gnomAD exomes below 0.00001.
gnomAD v4.1: 1 of 1,612,246 alleles (0.000062%); highest among the groups gnomAD compares: Non-Finnish European, 0.000085%; no homozygotes.

Submission:

Labcorp Genetics (formerly Invitae), Labcorp
Classification: Uncertain significance for Left ventricular noncompaction 8. Last evaluated: 2022-12-05. Review status: criteria provided, single submitter. Criteria: Invitae Variant Classification Sherloc (09022015). Collection method: clinical testing. Allele origin: germline.
Comment: In summary, the available evidence is currently insufficient to determine the role of this variant in disease. Therefore, it has been classified as a Variant of Uncertain Significance. Variants that disrupt the consensus splice site are a relatively common cause of aberrant splicing (PMID: 17576681, 9536098). Algorithms developed to predict the effect of sequence changes on RNA splicing suggest that this variant is not likely to affect RNA splicing. This variant has not been reported in the literature in individuals affected with PRDM16-related conditions. This variant is not present in population databases (gnomAD no frequency). This sequence change falls in intron 7 of the PRDM16 gene. It does not directly change the encoded amino acid sequence of the PRDM16 protein. It affects a nucleotide within the consensus splice site.

Literature cited by the submitters: PubMed 17576681; PubMed 9536098.

NM_022114.4(PRDM16):c.1032+5C>T

Gene: PRDM16 (PR/SET domain 16; plus strand). Cytogenetic location: 1p36.32.
Variant type: single nucleotide variant.
Coding change: c.1032+5C>T on transcript NM_022114.4 (MANE Select); 5 bases into the intron after coding-DNA position 1032, C replaced by T.
Molecular consequence: intron variant.
Genome position (GRCh38, 1-based): chr1:3,404,891, C>T. VCF-style: chr1-3404891-C-T. GRCh37 (hg19) VCF-style: chr1-3321455-C-T.
Other names: c.1032+5C>T (NM_199454.3).
Identifiers: ClinVar variation 2978913 (VCV002978913.3), dbSNP rs2523843162, ClinGen allele CA2642801210.
Genomic context (GRCh38, chr1:3,404,891, plus strand): 5'-GCCACCAGATGTCCCACGACAGCGGCAAACGCTTCGAATGTGAAAACTGCGTGAAGGTAA[C>T]CTGCGGGGCGGCCCCGTCTCAGCCCCGGGGCAGCAGGAGGCTGCAGACGGGCGCCCGCCC-3'